The following is an entry in ClinVar:

ClinVar aggregate classification (germline): Pathogenic. Review status: reviewed by expert panel (3 of 4 stars). 2 submissions from 2 submitters: Pathogenic (1). 1 of the submissions does not count toward it. Last evaluated 2016-09-08.

Conditions:
Breast-ovarian cancer, familial, susceptibility to, 1 (BROVCA1). Also called: BRCA1 Hereditary Breast and Ovarian Cancer; OVARIAN CANCER, SUSCEPTIBILITY TO. Identifiers: Orphanet 145, MedGen C2676676, MONDO:0011450, OMIM 604370. Disease mechanism: loss of function.

Submissions (2):

Evidence-based Network for the Interpretation of Germline Mutant Alleles (ENIGMA)
Classification: Pathogenic for Breast-ovarian cancer, familial, susceptibility to, 1. Last evaluated: 2016-09-08. Review status: reviewed by expert panel. Criteria: ENIGMA BRCA1/2 Classification Criteria (2015). Collection method: curation. Allele origin: germline.
Comment: Variant allele predicted to encode a truncated non-functional protein.

Breast Cancer Information Core (BIC) (BRCA1)
Classification: Pathogenic for Breast-ovarian cancer, familial 1. Last evaluated: 2004-11-25. Review status: no assertion criteria provided. Collection method: clinical testing. Allele origin: germline. Affected: yes. Observed: 1 variant allele. Not counted in ClinVar's aggregate classification.

NM_007294.4(BRCA1):c.493del (p.Thr164_Leu165insTer)

Gene: BRCA1 (BRCA1 DNA repair associated; minus strand). Cytogenetic location: 17q21.31.
Variant type: Deletion.
Coding change: c.493del on transcript NM_007294.4 (MANE Select); coding-DNA position 493, one base deleted (C; older notation c.493delC).
Protein change: p.Thr164_Leu165insTer.
Molecular consequence: nonsense. On other transcripts: frameshift variant (363), non-coding transcript variant (1).
Genome position (GRCh38, 1-based): chr17:43,099,829, G deleted on the plus strand (C on the coding strand, the reverse complement: BRCA1 is on the minus strand). VCF-style (leftmost placement, unchanged base first): chr17-43099828-AG-A. GRCh37 (hg19) VCF-style: chr17-41251845-AG-A.
Other names: 612delC; c.280delC, p.Leu94Terfs (NM_001407571.1, NM_001407853.1, NM_001407894.1 and 18 more transcripts); c.493delC, p.Leu165Terfs (NM_001407581.1, NM_001407582.1, NM_001407583.1 and 95 more transcripts); c.490delC, p.Leu164Terfs (NM_001407587.1, NM_001407590.1, NM_001407591.1 and 65 more transcripts); c.484delC, p.Leu162Terfs (NM_001407646.1, NM_001407647.1, NM_001408408.1); c.415delC, p.Leu139Terfs (NM_001407653.1, NM_001407654.1, NM_001407655.1 and 12 more transcripts); c.412delC, p.Leu138Terfs (NM_001407659.1, NM_001407660.1, NM_001407661.1 and 6 more transcripts); c.352delC, p.Leu118Terfs (NM_001407692.1, NM_001407694.1, NM_001407695.1 and 60 more transcripts); and 7 more.
Identifiers: ClinVar variation 55324 (VCV000055324.3), dbSNP rs80357551, ClinGen allele CA003091.